The following is an entry in ClinVar:

ClinVar aggregate classification (germline): Uncertain significance. Review status: criteria provided, multiple submitters, no conflicts (2 of 4 stars). 5 submissions from 5 submitters: Uncertain significance (5). Last evaluated 2025-02-20.

Conditions:
Inborn genetic diseases. Identifiers: MedGen C0950123, MeSH D030342.
Developmental and epileptic encephalopathy, 25 (DEE25). Also called: Epileptic encephalopathy, early infantile, 25; Developmental and epileptic encephalopathy 25, with amelogenesis imperfecta; Epileptic encephalopathy, early infantile, 25, with amelogenesis imperfecta. Identifiers: Orphanet 442835, MedGen C4014621, MONDO:0014392, OMIM 615905.

Allele frequency attached by ClinVar (database versions not stated): gnomAD 0.00001 and 0.00002; gnomAD exomes 0.00001 and 0.00002.
gnomAD v4.1: 33 of 1,601,222 alleles (0.0021%); highest among the groups gnomAD compares: Admixed American, 0.0034%; no homozygotes.

Submissions (5):

Ambry Genetics
Classification: Uncertain significance for Inborn genetic diseases. Last evaluated: 2025-02-20. Review status: criteria provided, single submitter. Criteria: Ambry Variant Classification Scheme 2023. Collection method: clinical testing. Allele origin: germline.

Labcorp Genetics (formerly Invitae), Labcorp
Classification: Uncertain significance for Developmental and epileptic encephalopathy, 25. Last evaluated: 2022-08-22. Review status: criteria provided, single submitter. Criteria: Invitae Variant Classification Sherloc (09022015). Collection method: clinical testing. Allele origin: germline.
Comment: This sequence change replaces lysine, which is basic and polar, with arginine, which is basic and polar, at codon 388 of the SLC13A5 protein (p.Lys388Arg). This variant is present in population databases (no rsID available, gnomAD 0.003%). This variant has not been reported in the literature in individuals affected with SLC13A5-related conditions. ClinVar contains an entry for this variant (Variation ID: 860573). Algorithms developed to predict the effect of missense changes on protein structure and function (SIFT, PolyPhen-2, Align-GVGD) all suggest that this variant is likely to be tolerated. In summary, the available evidence is currently insufficient to determine the role of this variant in disease. Therefore, it has been classified as a Variant of Uncertain Significance.

Genome-Nilou Lab
Classification: Uncertain significance for Developmental and epileptic encephalopathy, 25. Last evaluated: 2021-07-15. Review status: criteria provided, single submitter. Criteria: ACMG Guidelines, 2015. Collection method: clinical testing. Allele origin: germline. Affected: no.

GeneDx
Classification: Uncertain significance. Last evaluated: 2020-02-12. Review status: criteria provided, single submitter. Criteria: GeneDx Variant Classification Process June 2021. Collection method: clinical testing. Allele origin: germline. Affected: yes.
Comment: Not observed at a significant frequency in large population cohorts (Lek et al., 2016); In silico analysis supports that this missense variant does not alter protein structure/function; Has not been previously published as pathogenic or benign to our knowledge

Blueprint Genetics
Classification: Uncertain significance. Last evaluated: 2019-11-21. Review status: criteria provided, single submitter. Criteria: ACMG Guidelines, 2015. Collection method: clinical testing. Allele origin: germline.

NM_177550.5(SLC13A5):c.1163A>G (p.Lys388Arg)

Gene: SLC13A5 (solute carrier family 13 member 5; minus strand). Cytogenetic location: 17p13.1.
Variant type: single nucleotide variant.
Coding change: c.1163A>G on transcript NM_177550.5 (MANE Select); coding-DNA position 1163, A replaced by G.
Protein change: p.Lys388Arg; replaces lysine 388 with arginine.
Molecular consequence: missense variant.
Genome position (GRCh38, 1-based): chr17:6,693,156, T>C on the plus strand (A>G on the coding strand, the complement: SLC13A5 is on the minus strand). VCF-style: chr17-6693156-T-C. GRCh37 (hg19) VCF-style: chr17-6596475-T-C.
Other names: c.1163A>G (NM_177550.3); c.1163A>G, p.Lys388Arg (NM_001143838.3); c.1112A>G, p.Lys371Arg (NM_001284509.2); c.1034A>G, p.Lys345Arg (NM_001284510.2); short protein forms K388R, K371R, K345R.
Identifiers: ClinVar variation 860573 (VCV000860573.12), dbSNP rs1423476132, ClinGen allele CA397741730.